The following is an entry in ClinVar:

ClinVar aggregate classification (germline): Likely benign (0 of 4 stars; one submission).

Conditions:
ERAL1-related disorder. Also called: ERAL1-related condition.

Submission:

PreventionGenetics, part of Exact Sciences
Classification: Likely benign for ERAL1-related condition. Last evaluated: 2024-04-25. Review status: no assertion criteria provided. Collection method: clinical testing. Allele origin: germline.
Comment: This variant is classified as likely benign based on ACMG/AMP sequence variant interpretation guidelines (Richards et al. 2015 PMID: 25741868, with internal and published modifications).

NM_005702.4(ERAL1):c.951A>C (p.Lys317Asn)

Genes: ERAL1 (Era like 12S mitochondrial rRNA chaperone 1; plus strand), LOC126862526 (BRD4-independent group 4 enhancer GRCh37_chr17:27185111-27186310; plus strand). Cytogenetic location: 17q11.2.
Variant type: single nucleotide variant.
Coding change: c.951A>C on transcript NM_005702.4 (MANE Select); coding-DNA position 951, A replaced by C.
Protein change: p.Lys317Asn; replaces lysine 317 with asparagine.
Molecular consequence: missense variant. On other transcripts: intron variant (1).
Genome position (GRCh38, 1-based): chr17:28,858,815, A>C. VCF-style: chr17-28858815-A-C. GRCh37 (hg19) VCF-style: chr17-27185833-A-C.
Other names: c.948A>C, p.Lys316Asn (NM_001317985.2); c.712-149A>C (NM_001317986.2); short protein forms K316N, K317N.
Identifiers: ClinVar variation 3353830 (VCV003353830.1).
Genomic context (GRCh38, chr17:28,858,815, plus strand): 5'-TGGCTGGCCCCACTTCAAGGAGATCTTCATGTTGTCAGCCCTAAGCCAGGAGGACGTGAA[A>C]ACACTAAAGGTCAGTTAGTCTTGGCCATAGCCTGGCCCTTGGTTTCTACCATATGAAGAC-3'
Protein context (NP_005693.1, residues 307-327): MLSALSQEDV[Lys317Asn]TLKQYLLTQA